The following is an entry in ClinVar:

ClinVar aggregate classification (germline): Uncertain significance. Review status: criteria provided, multiple submitters, no conflicts (2 of 4 stars). 2 submissions from 2 submitters: Uncertain significance (2). Last evaluated 2025-12-19.

Allele frequency attached by ClinVar (database versions not stated): gnomAD 0.00001; TOPMed 0.00001; gnomAD exomes 0.00002.
gnomAD v4.1: 26 of 1,613,970 alleles (0.0016%); highest among the groups gnomAD compares: African/African-American, 0.0027%; no homozygotes.

Submissions (2):

Labcorp Genetics (formerly Invitae), Labcorp
Classification: Uncertain significance. Last evaluated: 2025-12-19. Review status: criteria provided, single submitter. Criteria: Invitae Variant Classification Sherloc (09022015). Collection method: clinical testing. Allele origin: germline.
Comment: This sequence change replaces alanine, which is neutral and non-polar, with valine, which is neutral and non-polar, at codon 84 of the YWHAG protein (p.Ala84Val). This variant is not present in population databases (gnomAD no frequency). This variant has not been reported in the literature in individuals affected with YWHAG-related conditions. ClinVar contains an entry for this variant (Variation ID: 2193545). Invitae Evidence Modeling of protein sequence and biophysical properties (such as structural, functional, and spatial information, amino acid conservation, physicochemical variation, residue mobility, and thermodynamic stability) indicates that this missense variant is not expected to disrupt YWHAG protein function with a negative predictive value of 80%. In summary, the available evidence is currently insufficient to determine the role of this variant in disease. Therefore, it has been classified as a Variant of Uncertain Significance.

Blueprint Genetics
Classification: Uncertain significance. Last evaluated: 2022-02-24. Review status: criteria provided, single submitter. Criteria: ACMG Guidelines, 2015. Collection method: clinical testing. Allele origin: germline.

NM_012479.4(YWHAG):c.251C>T (p.Ala84Val)

Gene: YWHAG (tyrosine 3-monooxygenase/tryptophan 5-monooxygenase activation protein gamma; minus strand). Cytogenetic location: 7q11.23.
Variant type: single nucleotide variant.
Coding change: c.251C>T on transcript NM_012479.4 (MANE Select); coding-DNA position 251, C replaced by T.
Protein change: p.Ala84Val; replaces alanine 84 with valine.
Molecular consequence: missense variant.
Genome position (GRCh38, 1-based): chr7:76,330,070, G>A on the plus strand (C>T on the coding strand, the complement: YWHAG is on the minus strand). VCF-style: chr7-76330070-G-A. GRCh37 (hg19) VCF-style: chr7-75959387-G-A.
Other names: short protein forms A84V.
Identifiers: ClinVar variation 2193545 (VCV002193545.5), dbSNP rs1037532353, ClinGen allele CA160927634.